The following is an entry in ClinVar:

ClinVar aggregate classification (germline): Conflicting classifications of pathogenicity. Review status: criteria provided, conflicting classifications (1 of 4 stars). 2 submissions from 2 submitters: Uncertain significance (1); Likely benign (1). Last evaluated 2023-12-19.

Conditions:
Colorectal cancer, susceptibility to, 12 (CRCS12). Also called: COLORECTAL CANCER, SUSCEPTIBILITY TO, ON CHROMOSOME 12q24. Identifiers: Orphanet 220460, MedGen C3554460, MONDO:0014038, OMIM 615083.

Submissions (2):

Myriad Genetics, Inc.
Classification: Likely benign for Colorectal cancer, susceptibility to, 12. Last evaluated: 2023-12-19. Review status: criteria provided, single submitter. Criteria: Myriad Autosomal Dominant, Autosomal Recessive and X-Linked Classification Criteria (2023). Collection method: clinical testing. Allele origin: unknown.
Comment: This variant is considered likely benign. This variant is intronic and is not expected to impact mRNA splicing.

Labcorp Genetics (formerly Invitae), Labcorp
Classification: Uncertain significance. Last evaluated: 2019-03-04. Review status: criteria provided, single submitter. Criteria: Invitae Variant Classification Sherloc (09022015). Collection method: clinical testing. Allele origin: germline.
Comment: In summary, the available evidence is currently insufficient to determine the role of this variant in disease. Therefore, it has been classified as a Variant of Uncertain Significance. Nucleotide substitutions within the consensus splice site are a relatively common cause of aberrant splicing (PMID: 17576681, 9536098). Algorithms developed to predict the effect of sequence changes on RNA splicing suggest that this variant is not likely to affect RNA splicing, but this prediction has not been confirmed by published transcriptional studies. This variant has not been reported in the literature in individuals with POLE-related conditions. This variant is not present in population databases (ExAC no frequency). This sequence change falls in intron 12 of the POLE gene. It does not directly change the encoded amino acid sequence of the POLE protein, but it affects a nucleotide within the consensus splice site of the intron.

Literature cited by the submitters: PubMed 17576681 (cited by Labcorp Genetics (formerly Invitae), Labcorp); PubMed 9536098 (cited by Labcorp Genetics (formerly Invitae), Labcorp).

NM_006231.4(POLE):c.1226+6G>T

Gene: POLE (DNA polymerase epsilon, catalytic subunit; minus strand). Cytogenetic location: 12q24.33.
Variant type: single nucleotide variant.
Coding change: c.1226+6G>T on transcript NM_006231.4 (MANE Select); 6 bases into the intron after coding-DNA position 1226, G replaced by T.
Molecular consequence: intron variant.
Genome position (GRCh38, 1-based): chr12:132,675,392, C>A on the plus strand (G>T on the coding strand, the complement: POLE is on the minus strand). VCF-style: chr12-132675392-C-A. GRCh37 (hg19) VCF-style: chr12-133251978-C-A.
Identifiers: ClinVar variation 845568 (VCV000845568.10), dbSNP rs1286283864, ClinGen allele CA916082381.